The following is an entry in ClinVar:

NM_000182.5(HADHA):c.173A>G (p.Asn58Ser)

Gene: HADHA (hydroxyacyl-CoA dehydrogenase trifunctional multienzyme complex subunit alpha; minus strand). Cytogenetic location: 2p23.3.
Variant type: single nucleotide variant.
Coding change: c.173A>G on transcript NM_000182.5 (MANE Select); coding-DNA position 173, A replaced by G.
Protein change: p.Asn58Ser; replaces asparagine 58 with serine.
Molecular consequence: missense variant.
Genome position (GRCh38, 1-based): chr2:26,238,941, T>C on the plus strand (A>G on the coding strand, the complement: HADHA is on the minus strand). VCF-style: chr2-26238941-T-C. GRCh37 (hg19) VCF-style: chr2-26461809-T-C.
Other names: short protein forms N58S.
Identifiers: ClinVar variation 1896444 (VCV001896444.26), dbSNP rs376716058, ClinGen allele CA346095111.
Genomic context (GRCh38, chr2:26,238,941, plus strand): 5'-GACTAGATTCATAATGCGGTTAGCAGAAAAAAACTGCAAATTAAATGAGATACCTTTGAA[T>C]TGGGAGAGTTAATTCGAACAACTGCCACATCCCCTTTGACTCCATAGTTAATATGGGTTC-3'
Protein context (NP_000173.2, residues 48-68): DVAVVRINSP[Asn58Ser]SKVNTLSKEL

ClinVar aggregate classification (germline): Uncertain significance. Review status: criteria provided, multiple submitters, no conflicts (2 of 4 stars). 3 submissions from 3 submitters: Uncertain significance (3). Last evaluated 2023-02-01.

Conditions:
Long chain 3-hydroxyacyl-CoA dehydrogenase deficiency. Also called: LCHAD Deficiency; Deficiency of long-chain 3-hydroxyacyl-coenzyme A dehydrogenase. Identifiers: Orphanet 5, MedGen C3711645, MONDO:0012173, OMIM 609016.
Mitochondrial trifunctional protein deficiency. Identifiers: Orphanet 746, MedGen C1969443, MONDO:0012172.

Allele frequency attached by ClinVar (database versions not stated): gnomAD exomes below 0.00001.
gnomAD v4.1: 4 of 1,596,566 alleles (0.00025%); highest among the groups gnomAD compares: South Asian, 0.0033%; no homozygotes.

Submissions (3):

CeGaT Center for Human Genetics Tuebingen
Classification: Uncertain significance. Last evaluated: 2023-02-01. Review status: criteria provided, single submitter. Criteria: CeGaT Center For Human Genetics Tuebingen Variant Classification Criteria Version 2. Collection method: clinical testing. Allele origin: germline. Affected: yes. Observed: 1 variant allele.
Comment: HADHA: PM2, BP4

Labcorp Genetics (formerly Invitae), Labcorp
Classification: Uncertain significance for Mitochondrial trifunctional protein deficiency; Long chain 3-hydroxyacyl-CoA dehydrogenase deficiency. Last evaluated: 2022-04-06. Review status: criteria provided, single submitter. Criteria: Invitae Variant Classification Sherloc (09022015). Collection method: clinical testing. Allele origin: germline.
Comment: This sequence change replaces asparagine, which is neutral and polar, with serine, which is neutral and polar, at codon 58 of the HADHA protein (p.Asn58Ser). This variant is not present in population databases (gnomAD no frequency). This variant has not been reported in the literature in individuals affected with HADHA-related conditions. Advanced modeling of protein sequence and biophysical properties (such as structural, functional, and spatial information, amino acid conservation, physicochemical variation, residue mobility, and thermodynamic stability) performed at Invitae indicates that this missense variant is not expected to disrupt HADHA protein function. Algorithms developed to predict the effect of sequence changes on RNA splicing suggest that this variant may create or strengthen a splice site. In summary, the available evidence is currently insufficient to determine the role of this variant in disease. Therefore, it has been classified as a Variant of Uncertain Significance.

Neuberg Centre For Genomic Medicine, NCGM
Classification: Uncertain significance for Long chain 3-hydroxyacyl-CoA dehydrogenase deficiency. Review status: criteria provided, single submitter. Criteria: ACMG Guidelines, 2015. Collection method: clinical testing. Allele origin: germline. Inheritance: Autosomal recessive inheritance. Affected: yes.
Comment: The observed missense c.173A>G(p.Asn58Ser) variant in HADHA gene has not been reported previously as a pathogenic variant nor as a benign variant, to our knowledge. The p.Asn58Ser variant is absent in gnomAD Exomes. This variant has been submitted to the ClinVar database as Uncertain Significance. The amino acid change p.Asn58Ser in HADHA is predicted as conserved by GERP++ and PhyloP across 100 vertebrates. The amino acid Asn at position 58 is changed to a Ser changing protein sequence and it might alter its composition and physico-chemical properties. For these reasons, this variant has been classified as a Variant of Uncertain Significance (VUS).